The following is an entry in ClinVar:

ClinVar aggregate classification (germline): Uncertain significance (1 of 4 stars; one submission).

Conditions:
Leukocyte adhesion deficiency type II. Also called: CONGENITAL DISORDER OF GLYCOSYLATION, TYPE IIc; CDG IIc; Congenital disorder of glycosylation type 2C; CDG 2C; Leukocyte adhesion deficiency type 2; Rambam Hasharon syndrome. Identifiers: Orphanet 2968, Orphanet 99843, MedGen C0398739, MONDO:0009953, OMIM 266265.

Submission:

Labcorp Genetics (formerly Invitae), Labcorp
Classification: Uncertain significance for Leukocyte adhesion deficiency type II. Last evaluated: 2025-07-28. Review status: criteria provided, single submitter. Criteria: Invitae Variant Classification Sherloc (09022015). Collection method: clinical testing. Allele origin: germline.
Comment: This sequence change replaces leucine, which is neutral and non-polar, with histidine, which is basic and polar, at codon 246 of the SLC35C1 protein (p.Leu246His). This variant is not present in population databases (gnomAD no frequency). This variant has not been reported in the literature in individuals affected with SLC35C1-related conditions. ClinVar contains an entry for this variant (Variation ID: 2806673). Invitae Evidence Modeling of protein sequence and biophysical properties (such as structural, functional, and spatial information, amino acid conservation, physicochemical variation, residue mobility, and thermodynamic stability) indicates that this missense variant is not expected to disrupt SLC35C1 protein function with a negative predictive value of 80%. In summary, the available evidence is currently insufficient to determine the role of this variant in disease. Therefore, it has been classified as a Variant of Uncertain Significance.

NM_018389.5(SLC35C1):c.737T>A (p.Leu246His)

Gene: SLC35C1 (solute carrier family 35 member C1; plus strand). Cytogenetic location: 11p11.2.
Variant type: single nucleotide variant.
Coding change: c.737T>A on transcript NM_018389.5 (MANE Select); coding-DNA position 737, T replaced by A.
Protein change: p.Leu246His; replaces leucine 246 with histidine.
Molecular consequence: missense variant.
Genome position (GRCh38, 1-based): chr11:45,810,977, T>A. VCF-style: chr11-45810977-T-A. GRCh37 (hg19) VCF-style: chr11-45832528-T-A.
Other names: c.698T>A, p.Leu233His (NM_001145265.2, NM_001145266.2, NM_001425156.1); c.737T>A, p.Leu246His (NM_001425155.1); short protein forms L233H, L246H.
Identifiers: ClinVar variation 2806673 (VCV002806673.3), dbSNP rs1768630092, ClinGen allele CA380205939.